The following is an entry in ClinVar:

ClinVar aggregate classification (germline): Uncertain significance (1 of 4 stars; one submission).

Conditions:
Developmental and epileptic encephalopathy, 9 (DEE9). Also called: EPILEPSY, FEMALE-RESTRICTED, WITH MENTAL RETARDATION; JUBERG-HELLMAN SYNDROME; PCDH19-Related X-Linked Female-Limited Epilepsy with Mental Retardation; Early infantile epileptic encephalopathy 9. Identifiers: Orphanet 101039, Orphanet 2076, MedGen C1848137, MONDO:0010246, OMIM 300088. Disease mechanism: loss of function.

Allele frequency attached by ClinVar (database versions not stated): gnomAD 0.00001; TOPMed 0.00002.
gnomAD v4.1: 4 of 1,209,427 alleles (0.00033%); highest among the groups gnomAD compares: African/African-American, 0.0053%; no homozygotes.

Submission:

Labcorp Genetics (formerly Invitae), Labcorp
Classification: Uncertain significance for Developmental and epileptic encephalopathy, 9. Last evaluated: 2022-03-12. Review status: criteria provided, single submitter. Criteria: Invitae Variant Classification Sherloc (09022015). Collection method: clinical testing. Allele origin: germline.
Comment: This sequence change replaces glutamic acid, which is acidic and polar, with aspartic acid, which is acidic and polar, at codon 1029 of the PCDH19 protein (p.Glu1029Asp). This variant is present in population databases (no rsID available, gnomAD 0.008%). This variant has not been reported in the literature in individuals affected with PCDH19-related conditions. Advanced modeling of protein sequence and biophysical properties (such as structural, functional, and spatial information, amino acid conservation, physicochemical variation, residue mobility, and thermodynamic stability) performed at Invitae indicates that this missense variant is not expected to disrupt PCDH19 protein function. In summary, the available evidence is currently insufficient to determine the role of this variant in disease. Therefore, it has been classified as a Variant of Uncertain Significance.

NM_001184880.2(PCDH19):c.3087G>T (p.Glu1029Asp)

Gene: PCDH19 (protocadherin 19; minus strand). Cytogenetic location: Xq22.1.
Variant type: single nucleotide variant.
Coding change: c.3087G>T on transcript NM_001184880.2 (MANE Select); coding-DNA position 3087, G replaced by T.
Protein change: p.Glu1029Asp; replaces glutamic acid 1029 with aspartic acid.
Molecular consequence: missense variant.
Genome position (GRCh38, 1-based): chrX:100,296,637, C>A on the plus strand (G>T on the coding strand, the complement: PCDH19 is on the minus strand). VCF-style: chrX-100296637-C-A. GRCh37 (hg19) VCF-style: chrX-99551635-C-A.
Other names: c.2946G>T, p.Glu982Asp (NM_001105243.2); c.2943G>T, p.Glu981Asp (NM_020766.3); short protein forms E1029D, E981D, E982D.
Identifiers: ClinVar variation 2110176 (VCV002110176.4), dbSNP rs1010521561, ClinGen allele CA333818021.